The following is an entry in ClinVar:

NC_000012.11:g.(?_133222176)_133226475del

Gene: POLE (DNA polymerase epsilon, catalytic subunit; minus strand).
Variant type: Deletion.
Identifiers: ClinVar variation 1054369 (VCV001054369.2).

ClinVar aggregate classification (germline): Uncertain significance (1 of 4 stars; one submission).

Conditions:
Colorectal cancer, susceptibility to, 12 (CRCS12). Also called: COLORECTAL CANCER, SUSCEPTIBILITY TO, ON CHROMOSOME 12q24. Identifiers: Orphanet 220460, MedGen C3554460, MONDO:0014038, OMIM 615083.

Submission:

Labcorp Genetics (formerly Invitae), Labcorp
Classification: Uncertain significance for Colorectal cancer, susceptibility to, 12. Last evaluated: 2020-08-07. Review status: criteria provided, single submitter. Criteria: Invitae Variant Classification Sherloc (09022015). Collection method: clinical testing. Allele origin: germline.
Comment: This variant is a complex sequence change that deletes the genomic region encompassing exons 30-32 and inserts another 47 nucleotides at the intron 29-exon 30 boundary (c.3583_4150-1613delins47) of the POLE gene. It is expected to result in a frameshift (p.Val1195Trpfs*951) and disrupt the last 1092 amino acids of the POLE protein. This variant has not been reported in the literature in individuals with POLE-related disease. ClinVar contains an entry for this variant (Variation ID: 861109). Missense variants that disrupt the 3'-5' exonuclease (proof-reading) activity of the POLE protein are associated with an increased risk for colonic adenomatous polyps and colon cancer (PMID: 23263490, 23447401). However, loss-of-function variants that result in an absent or severely disrupted POLE protein, and missense variants outside the exonuclease domain, are unlikely to be associated with polyposis or colon cancer. Without further clinical and genetic evidence, this variant has been classified as a Variant of Uncertain Significance.

Literature cited by the submitters: PubMed 23263490; PubMed 23447401.